The following is an entry in ClinVar:

ClinVar aggregate classification (germline): Uncertain significance (1 of 4 stars; one submission).

Conditions:
Autosomal dominant polycystic kidney disease. Identifiers: Orphanet 730, MedGen C0085413, MONDO:0004691.

Submission:

Labcorp Genetics (formerly Invitae), Labcorp
Classification: Uncertain significance for Autosomal dominant polycystic kidney disease. Last evaluated: 2024-01-10. Review status: criteria provided, single submitter. Criteria: Invitae Variant Classification Sherloc (09022015). Collection method: clinical testing. Allele origin: germline.
Comment: This sequence change replaces threonine, which is neutral and polar, with alanine, which is neutral and non-polar, at codon 283 of the PKD2 protein (p.Thr283Ala). This variant is not present in population databases (gnomAD no frequency). This variant has not been reported in the literature in individuals affected with PKD2-related conditions. Advanced modeling of protein sequence and biophysical properties (such as structural, functional, and spatial information, amino acid conservation, physicochemical variation, residue mobility, and thermodynamic stability) performed at Invitae indicates that this missense variant is not expected to disrupt PKD2 protein function with a negative predictive value of 80%. In summary, the available evidence is currently insufficient to determine the role of this variant in disease. Therefore, it has been classified as a Variant of Uncertain Significance.

NM_000297.4(PKD2):c.847A>G (p.Thr283Ala)

Gene: PKD2 (polycystin 2, transient receptor potential cation channel; plus strand). Cytogenetic location: 4q22.1.
Variant type: single nucleotide variant.
Coding change: c.847A>G on transcript NM_000297.4 (MANE Select); coding-DNA position 847, A replaced by G.
Protein change: p.Thr283Ala; replaces threonine 283 with alanine.
Molecular consequence: missense variant. On other transcripts: non-coding transcript variant (1).
Genome position (GRCh38, 1-based): chr4:88,038,254, A>G. VCF-style: chr4-88038254-A-G. GRCh37 (hg19) VCF-style: chr4-88959406-A-G.
Other names: short protein forms T283A.
Identifiers: ClinVar variation 2708586 (VCV002708586.3), dbSNP rs2475900818, ClinGen allele CA357632200.
Genomic context (GRCh38, chr4:88,038,254, plus strand): 5'-GGGGCAAGACAGCGGCTGAGCTTGGAACTTTTTCAGAGATGTTTCCTTTGCTTTTAGTTC[A>G]CAGAAGGCTCCTTATTGGATGGGCTGTACTGGAAGATGCAGCCCAGCAACCAGACTGAAG-3'
Protein context (NP_000288.1, residues 273-293): LSSMEDFWKF[Thr283Ala]EGSLLDGLYW